The following is an entry in ClinVar:

NM_006035.4(CDC42BPB):c.3713C>T (p.Pro1238Leu)

Gene: CDC42BPB (CDC42 binding protein kinase beta; minus strand). Cytogenetic location: 14q32.32.
Variant type: single nucleotide variant.
Coding change: c.3713C>T on transcript NM_006035.4 (MANE Select); coding-DNA position 3713, C replaced by T.
Protein change: p.Pro1238Leu; replaces proline 1238 with leucine.
Molecular consequence: missense variant.
Genome position (GRCh38, 1-based): chr14:102,946,503, G>A on the plus strand (C>T on the coding strand, the complement: CDC42BPB is on the minus strand). VCF-style: chr14-102946503-G-A. GRCh37 (hg19) VCF-style: chr14-103412840-G-A.
Other names: c.3635C>T, p.Pro1212Leu (NM_001411054.1); short protein forms P1212L, P1238L.
Identifiers: ClinVar variation 3376343 (VCV003376343.1).

ClinVar aggregate classification (germline): Likely pathogenic (1 of 4 stars; one submission).

Conditions:
Chilton-Okur-Chung neurodevelopmental syndrome (CHOCNS). Identifiers: MedGen C5677022, MONDO:0859239, OMIM 619841.

gnomAD v4.1: 1 of 1,612,786 alleles (0.000062%); highest among the groups gnomAD compares: Non-Finnish European, 0.000085%; no homozygotes.

Submission:

Pittsburgh Clinical Genomics Laboratory, University of Pittsburgh Medical Center
Classification: Likely pathogenic for Chilton-Okur-Chung neurodevelopmental syndrome. Last evaluated: 2024-02-27. Review status: criteria provided, single submitter. Criteria: ACMG Guidelines, 2015. Collection method: clinical testing. Allele origin: germline. Inheritance: Autosomal dominant inheritance. Affected: yes.
Comment: This sequence variant is a single nucleotide substitution (C>T) at position 3713 of the coding sequence of the CDC42BPB gene that results in a proline to leucine amino acid change at residue 1238 of the CDC42 binding protein kinase beta protein. This is a de novo variant that was not transmitted from either parent. This variant is absent from ClinVar and is present in the gnomAD v4.0.0 population database (1 of 1,460,448 alleles, 0.00006%). To our knowledge, this variant has not been observed in an individual affected by a CDC42BPB-related disorder in the published literature. Multiple bioinformatic tools predict that this amino acid change would be damaging, and the Pro1238 residue at this position is highly conserved across the vertebrate species examined. Studies examining the functional consequence of this variant have not been published, to our knowledge. Based upon the evidence, we consider this variant to be likely pathogenic. ACMG Criteria: PM2, PP2, PP3, PS2